The following is an entry in ClinVar:

ClinVar aggregate classification (germline): Uncertain significance. Review status: criteria provided, multiple submitters, no conflicts (2 of 4 stars). 3 submissions from 3 submitters: Uncertain significance (3). Last evaluated 2025-01-25.

Conditions:
Inborn genetic diseases. Identifiers: MedGen C0950123, MeSH D030342.

Allele frequency attached by ClinVar (database versions not stated): gnomAD exomes 0.00001; TOPMed 0.00001; gnomAD 0.00002.
gnomAD v4.1: 12 of 1,601,970 alleles (0.00075%); highest among the groups gnomAD compares: African/African-American, 0.0013%; no homozygotes.

Submissions (3):

Labcorp Genetics (formerly Invitae), Labcorp
Classification: Uncertain significance. Last evaluated: 2025-01-25. Review status: criteria provided, single submitter. Criteria: Invitae Variant Classification Sherloc (09022015). Collection method: clinical testing. Allele origin: germline.
Comment: This sequence change replaces alanine, which is neutral and non-polar, with aspartic acid, which is acidic and polar, at codon 758 of the CACNA2D4 protein (p.Ala758Asp). The frequency data for this variant in the population databases is considered unreliable, as metrics indicate poor data quality at this position in the gnomAD database. This variant has not been reported in the literature in individuals affected with CACNA2D4-related conditions. ClinVar contains an entry for this variant (Variation ID: 1429070). An algorithm developed to predict the effect of missense changes on protein structure and function (PolyPhen-2) suggests that this variant is likely to be disruptive. In summary, the available evidence is currently insufficient to determine the role of this variant in disease. Therefore, it has been classified as a Variant of Uncertain Significance.

Blueprint Genetics
Classification: Uncertain significance. Last evaluated: 2022-11-22. Review status: criteria provided, single submitter. Criteria: ACMG Guidelines, 2015. Collection method: clinical testing. Allele origin: germline.

Ambry Genetics
Classification: Uncertain significance for Inborn genetic diseases. Last evaluated: 2022-10-04. Review status: criteria provided, single submitter. Criteria: Ambry Variant Classification Scheme 2023. Collection method: clinical testing. Allele origin: germline.

NM_172364.5(CACNA2D4):c.2273C>A (p.Ala758Asp)

Gene: CACNA2D4 (calcium voltage-gated channel auxiliary subunit alpha2delta 4; minus strand). Cytogenetic location: 12p13.33.
Variant type: single nucleotide variant.
Coding change: c.2273C>A on transcript NM_172364.5 (MANE Select); coding-DNA position 2273, C replaced by A.
Protein change: p.Ala758Asp; replaces alanine 758 with aspartic acid.
Molecular consequence: missense variant.
Genome position (GRCh38, 1-based): chr12:1,846,663, G>T on the plus strand (C>A on the coding strand, the complement: CACNA2D4 is on the minus strand). VCF-style: chr12-1846663-G-T. GRCh37 (hg19) VCF-style: chr12-1955829-G-T.
Other names: c.2273C>A (NM_172364.4); short protein forms A758D.
Identifiers: ClinVar variation 1429070 (VCV001429070.8), dbSNP rs1419484658, ClinGen allele CA383359619.